The following is an entry in ClinVar:

ClinVar aggregate classification (germline): Likely benign (0 of 4 stars; one submission).

Conditions:
NDUFA11-related disorder. Also called: NDUFA11-related condition.

Allele frequency attached by ClinVar (database versions not stated): gnomAD 0.00001; gnomAD exomes 0.00001.
gnomAD v4.1: 17 of 1,613,990 alleles (0.0011%); highest among the groups gnomAD compares: Non-Finnish European, 0.0014%; no homozygotes.

Submission:

PreventionGenetics, part of Exact Sciences
Classification: Likely benign for NDUFA11-related condition. Last evaluated: 2019-10-04. Review status: no assertion criteria provided. Collection method: clinical testing. Allele origin: germline.
Comment: This variant is classified as likely benign based on ACMG/AMP sequence variant interpretation guidelines (Richards et al. 2015 PMID: 25741868, with internal and published modifications).

NM_175614.5(NDUFA11):c.147C>T (p.Phe49=)

Gene: NDUFA11 (NADH:ubiquinone oxidoreductase subunit A11; minus strand). Cytogenetic location: 19p13.3.
Variant type: single nucleotide variant.
Coding change: c.147C>T on transcript NM_175614.5 (MANE Select); coding-DNA position 147, C replaced by T.
Protein change: p.Phe49=; no amino-acid change (phenylalanine 49 retained).
Molecular consequence: synonymous variant. On other transcripts: non-coding transcript variant (1).
Genome position (GRCh38, 1-based): chr19:5,896,948, G>A on the plus strand (C>T on the coding strand, the complement: NDUFA11 is on the minus strand). VCF-style: chr19-5896948-G-A. GRCh37 (hg19) VCF-style: chr19-5896959-G-A.
Other names: c.147C>T, p.Phe49= (NM_001193375.3).
Identifiers: ClinVar variation 3046039 (VCV003046039.2), dbSNP rs1197158690, ClinGen allele CA505079415.